The following is an entry in ClinVar:

NM_016580.4(PCDH12):c.3370C>T (p.Arg1124Cys)

Gene: PCDH12 (protocadherin 12; minus strand). Cytogenetic location: 5q31.3.
Variant type: single nucleotide variant.
Coding change: c.3370C>T on transcript NM_016580.4 (MANE Select); coding-DNA position 3370, C replaced by T.
Protein change: p.Arg1124Cys; replaces arginine 1124 with cysteine.
Molecular consequence: missense variant.
Genome position (GRCh38, 1-based): chr5:141,945,566, G>A on the plus strand (C>T on the coding strand, the complement: PCDH12 is on the minus strand). VCF-style: chr5-141945566-G-A. GRCh37 (hg19) VCF-style: chr5-141325131-G-A.
Other names: p.Arg1124Cys; c.3370C>T (NM_016580.2); short protein forms R1124C.
Identifiers: ClinVar variation 1030566 (VCV001030566.11), dbSNP rs778087717, ClinGen allele CA3483979.

ClinVar aggregate classification (germline): Uncertain significance. Review status: criteria provided, multiple submitters, no conflicts (2 of 4 stars). 5 submissions from 5 submitters: Uncertain significance (5). Last evaluated 2025-05-19.

Conditions:
Diencephalic-mesencephalic junction dysplasia syndrome 1 (DMJDS1). Also called: Microcephaly with spastic quadriplegia. Identifiers: MedGen C4538630, MONDO:0009625, OMIM 251280.
Inborn genetic diseases. Identifiers: MedGen C0950123, MeSH D030342.

Allele frequency attached by ClinVar (database versions not stated): ExAC 0.00001; gnomAD 0.00001 and 0.00005; gnomAD exomes 0.00002; TOPMed 0.00002.

Submissions (5):

Ambry Genetics
Classification: Uncertain significance for Inborn genetic diseases. Last evaluated: 2025-05-19. Review status: criteria provided, single submitter. Criteria: Ambry Variant Classification Scheme 2023. Collection method: clinical testing. Allele origin: germline.

Mayo Clinic Laboratories, Mayo Clinic
Classification: Uncertain significance. Last evaluated: 2023-08-07. Review status: criteria provided, single submitter. Criteria: ACMG Guidelines, 2015. Collection method: clinical testing. Allele origin: germline. Observed: 1 variant allele.
Comment: BP4, PM2_moderate

Labcorp Genetics (formerly Invitae), Labcorp
Classification: Uncertain significance. Last evaluated: 2023-02-27. Review status: criteria provided, single submitter. Criteria: Invitae Variant Classification Sherloc (09022015). Collection method: clinical testing. Allele origin: germline.
Comment: This sequence change replaces arginine, which is basic and polar, with cysteine, which is neutral and slightly polar, at codon 1124 of the PCDH12 protein (p.Arg1124Cys). This variant is present in population databases (rs778087717, gnomAD 0.006%). This variant has not been reported in the literature in individuals affected with PCDH12-related conditions. ClinVar contains an entry for this variant (Variation ID: 1030566). Advanced modeling of protein sequence and biophysical properties (such as structural, functional, and spatial information, amino acid conservation, physicochemical variation, residue mobility, and thermodynamic stability) performed at Invitae indicates that this missense variant is not expected to disrupt PCDH12 protein function. In summary, the available evidence is currently insufficient to determine the role of this variant in disease. Therefore, it has been classified as a Variant of Uncertain Significance.

Baylor Genetics
Classification: Uncertain significance for Diencephalic-mesencephalic junction dysplasia syndrome 1. Last evaluated: 2020-05-05. Review status: criteria provided, single submitter. Criteria: ACMG Guidelines, 2015. Collection method: clinical testing. Allele origin: unknown. Affected: yes.
Comment: This variant was determined to be of uncertain significance according to ACMG Guidelines, 2015 [PMID:25741868].

Breakthrough Genomics
Classification: Uncertain significance. Review status: criteria provided, single submitter. Criteria: ACMG Guidelines, 2015. Collection method: not provided. Allele origin: germline. Inheritance: Autosomal recessive inheritance. Affected: yes.